The following is an entry in ClinVar:

ClinVar aggregate classification (germline): Likely pathogenic. Review status: criteria provided, single submitter (1 of 4 stars). 2 submissions from 2 submitters: Likely pathogenic (1). 1 of the submissions does not count toward it. Last evaluated 2024-06-27.

Conditions:
Achondrogenesis, type IB (ACG1B). Also called: Achondrogenesis Type 1B. Identifiers: Orphanet 932, Orphanet 93298, MedGen C0265274, MONDO:0010966, OMIM 600972.
Multiple epiphyseal dysplasia type 4 (EDM4). Also called: MULTIPLE EPIPHYSEAL DYSPLASIA WITH BILAYERED PATELLAE; MULTIPLE EPIPHYSEAL DYSPLASIA WITH CLUBFOOT; MULTIPLE EPIPHYSEAL DYSPLASIA, AUTOSOMAL RECESSIVE; SLC26A2-Related Multiple Epiphyseal Dysplasia; Multiple Epiphyseal Dysplasia, Recessive. Identifiers: Orphanet 93307, MedGen C1847593, MONDO:0009189, OMIM 226900.

Allele frequency attached by ClinVar (database versions not stated): gnomAD exomes below 0.00001.

Submissions (2):

Natera, Inc.
Classification: Likely pathogenic for Achondrogenesis type IB. Last evaluated: 2024-06-27. Review status: criteria provided, single submitter. Criteria: Natera Variant Classification Schema (03/2026). Collection method: clinical testing. Allele origin: germline.
Comment: The c.3G>T variant in SLC26A2 is predicted to result in start loss due to disruption of the initiator methionine. This variant is expected to result in nonsense mediated decay, truncation, or a dysfunctional protein product. This variant is rare in the general population with a frequency below the threshold expected for the associated phenotype(s). Given the available evidence, this variant is classified as Likely Pathogenic.

Counsyl
Classification: Likely pathogenic for Multiple epiphyseal dysplasia type 4. Last evaluated: 2017-03-22. Review status: no assertion criteria provided. Collection method: clinical testing. Allele origin: unknown. Not counted in ClinVar's aggregate classification.

NM_000112.4(SLC26A2):c.3G>T (p.Met1Ile)

Gene: SLC26A2 (solute carrier family 26 member 2; plus strand). Cytogenetic location: 5q32.
Variant type: single nucleotide variant.
Coding change: c.3G>T on transcript NM_000112.4 (MANE Select); coding-DNA position 3, G replaced by T.
Protein change: p.Met1Ile; changes the start codon (methionine 1).
Molecular consequence: missense variant, initiator codon variant.
Genome position (GRCh38, 1-based): chr5:149,977,655, G>T. VCF-style: chr5-149977655-G-T. GRCh37 (hg19) VCF-style: chr5-149357218-G-T.
Other names: short protein forms M1I.
Identifiers: ClinVar variation 550984 (VCV000550984.4), dbSNP rs1554095084, ClinGen allele CA361703754.
Genomic context (GRCh38, chr5:149,977,655, plus strand): 5'-TATTGATGAACACTGGTATTTTCTCTGGTGTAGGAAGCTGAACCATCTATCTCCAGAAAT[G>T]TCTTCAGAAAGTAAAGAGCAACATAACGTTTCACCCAGAGACTCAGCTGAAGGAAATGAC-3'
Protein context (NP_000103.2, residues 1-11): [Met1Ile]SSESKEQHNV